The following is an entry in ClinVar:

NM_003072.5(SMARCA4):c.4569C>T (p.Asn1523=)

Gene: SMARCA4 (SWI/SNF related BAF chromatin remodeling complex subunit ATPase 4; plus strand). Cytogenetic location: 19p13.2.
Variant type: single nucleotide variant.
Coding change: c.4569C>T on transcript NM_003072.5 (MANE Select); coding-DNA position 4569, C replaced by T.
Protein change: p.Asn1523=; no amino-acid change (asparagine 1523 retained).
Molecular consequence: synonymous variant. On other transcripts: non-coding transcript variant (1).
Genome position (GRCh38, 1-based): chr19:11,058,823, C>T. VCF-style: chr19-11058823-C-T. GRCh37 (hg19) VCF-style: chr19-11169499-C-T.
Other names: c.4569C>T, p.Asn1523= (NM_001128844.3); c.4479C>T, p.Asn1493= (NM_001128845.2); c.4476C>T, p.Asn1492= (NM_001128846.2); c.4470C>T, p.Asn1490= (NM_001128847.4, NM_001374457.1); c.4467C>T, p.Asn1489= (NM_001128848.2); c.4665C>T, p.Asn1555= (NM_001128849.3, NM_001387283.1).
Identifiers: ClinVar variation 480565 (VCV000480565.25), dbSNP rs34389675, ClinGen allele CA9204799.

ClinVar aggregate classification (germline): Benign/Likely benign. Review status: criteria provided, multiple submitters, no conflicts (2 of 4 stars). 5 submissions from 5 submitters: Benign (1); Likely benign (4). Last evaluated 2026-07-23.

Conditions:
Rhabdoid tumor predisposition syndrome 2 (RTPS2). Identifiers: Orphanet 231108, Orphanet 69077, MedGen C2750074, MONDO:0013224, OMIM 613325.
Hereditary cancer-predisposing syndrome. Also called: Tumor predisposition; Neoplastic Syndromes, Hereditary; Hereditary Cancer Syndrome; Hereditary neoplastic syndrome. Identifiers: Orphanet 140162, MedGen C0027672, MeSH D009386, MONDO:0015356.

Allele frequency attached by ClinVar (database versions not stated): ExAC 0.00002; gnomAD exomes 0.00002 and 0.00001; TOPMed 0.00003; gnomAD 0.00001.
gnomAD v4.1: 13 of 1,614,020 alleles (0.00081%); highest among the groups gnomAD compares: African/African-American, 0.0053%; no homozygotes.

Submissions (5):

Myriad Genetics, Inc.
Classification: Benign for Rhabdoid tumor predisposition syndrome 2. Last evaluated: 2026-07-23. Review status: criteria provided, single submitter. Criteria: Myriad Autosomal Dominant, Autosomal Recessive and X-Linked Classification Criteria (2023). Collection method: clinical testing. Allele origin: unknown.
Comment: This variant is considered benign. This variant is a silent/synonymous amino acid change and it is not expected to impact splicing.

Labcorp Genetics (formerly Invitae), Labcorp
Classification: Likely benign for Rhabdoid tumor predisposition syndrome 2. Last evaluated: 2025-12-09. Review status: criteria provided, single submitter. Criteria: Invitae Variant Classification Sherloc (09022015). Collection method: clinical testing. Allele origin: germline.

Quest Diagnostics Nichols Institute San Juan Capistrano
Classification: Likely benign. Last evaluated: 2025-11-05. Review status: criteria provided, single submitter. Criteria: Quest Diagnostics criteria. Collection method: clinical testing. Allele origin: unknown.

GeneDx
Classification: Likely benign. Last evaluated: 2018-02-08. Review status: criteria provided, single submitter. Criteria: GeneDx Variant Classification (06012015). Collection method: clinical testing. Allele origin: germline. Affected: yes.
Comment: This variant is considered likely benign or benign based on one or more of the following criteria: it is a conservative change, it occurs at a poorly conserved position in the protein, it is predicted to be benign by multiple in silico algorithms, and/or has population frequency not consistent with disease.

Ambry Genetics
Classification: Likely benign for Hereditary cancer-predisposing syndrome. Last evaluated: 2015-07-09. Review status: criteria provided, single submitter. Criteria: Ambry Variant Classification Scheme 2023. Collection method: clinical testing. Allele origin: germline.